The following is an entry in ClinVar:

ClinVar aggregate classification (germline): Pathogenic. Review status: criteria provided, multiple submitters, no conflicts (2 of 4 stars). 4 submissions from 4 submitters: Pathogenic (4). Last evaluated 2025-09-01.

Conditions:
ASXL1-related disorder. Also called: ASXL1-related disorders; ASXL1-related condition.
Bohring-Opitz syndrome. Also called: BOHRING SYNDROME; OPITZ TRIGONOCEPHALY-LIKE SYNDROME; ASXL1-Related Bohring-Opitz Syndrome; C-LIKE SYNDROME. Identifiers: Orphanet 97297, MedGen C0796232, MONDO:0011510, OMIM 605039.

Allele frequency attached by ClinVar (database versions not stated): gnomAD exomes below 0.00001; TOPMed below 0.00001; gnomAD 0.00001.
gnomAD v4.1: 4 of 1,614,058 alleles (0.00025%); highest among the groups gnomAD compares: Non-Finnish European, 0.00034%; no homozygotes.

Submissions (4):

CeGaT Center for Human Genetics Tuebingen
Classification: Pathogenic. Last evaluated: 2025-09-01. Review status: criteria provided, single submitter. Criteria: CeGaT Center For Human Genetics Tuebingen Variant Classification Criteria Version 2. Collection method: clinical testing. Allele origin: germline. Affected: yes. Observed: 1 variant allele.
Comment: ASXL1: PVS1, PM2

PreventionGenetics, part of Exact Sciences
Classification: Pathogenic for ASXL1-related condition. Last evaluated: 2025-06-23. Review status: criteria provided, single submitter. Criteria: ACMG Guidelines, 2015. Collection method: clinical testing. Allele origin: germline.
Comment: The ASXL1 c.1282C>T variant is predicted to result in premature protein termination (p.Gln428*). This variant was reported in an individual with developmental disorder (Supplementary Table 1, Kaplanis et al. 2020. PubMed ID: 33057194). This variant has not been reported in a large population database (gnomAD), indicating this variant is rare. Nonsense variants in ASXL1 are expected to be pathogenic. This variant is interpreted as pathogenic.

Women's Health and Genetics/Laboratory Corporation of America, LabCorp
Classification: Pathogenic for Bohring-Opitz syndrome. Last evaluated: 2025-05-14. Review status: criteria provided, single submitter. Criteria: LabCorp Variant Classification Summary - May 2015. Collection method: clinical testing. Allele origin: germline.
Comment: Variant summary: ASXL1 c.1282C>T (p.Gln428X) results in a premature termination codon, predicted to cause a truncation of the encoded protein or absence of the protein due to nonsense mediated decay, which are commonly known mechanisms for disease. The variant was absent in 251474 control chromosomes. To our knowledge, no occurrence of c.1282C>T in individuals affected with Bohring-Opitz Syndrome and no experimental evidence demonstrating its impact on protein function have been reported. ClinVar contains an entry for this variant (Variation ID: 280841). Based on the evidence outlined above, the variant was classified as pathogenic.

GeneDx
Classification: Pathogenic. Last evaluated: 2018-03-07. Review status: criteria provided, single submitter. Criteria: GeneDx Variant Classification (06012015). Collection method: clinical testing. Allele origin: germline. Affected: yes.
Comment: The Q428X pathogenic variant in the ASXL1 gene has not been reported previously as a pathogenic variant nor as a benign variant, to our knowledge. This variant is predicted to cause loss of normal protein function either through protein truncation or nonsense-mediated mRNA decay. The Q428X variant was not observed in approximately 6500 individuals of European and African American ancestry in the NHLBI Exome Sequencing Project, indicating it is not a common benign variant in these populations. We interpret Q428X as a pathogenic variant,

Literature cited by the submitters: PubMed 22489043 (cited by Women's Health and Genetics/Laboratory Corporation of America, LabCorp); PubMed 24442206 (cited by Women's Health and Genetics/Laboratory Corporation of America, LabCorp); PubMed 24458439 (cited by Women's Health and Genetics/Laboratory Corporation of America, LabCorp); PubMed 25652455 (cited by Women's Health and Genetics/Laboratory Corporation of America, LabCorp); PubMed 24695057 (cited by Women's Health and Genetics/Laboratory Corporation of America, LabCorp); PubMed 23018865 (cited by Women's Health and Genetics/Laboratory Corporation of America, LabCorp); PubMed 21881046 (cited by Women's Health and Genetics/Laboratory Corporation of America, LabCorp); PubMed 23619563 (cited by Women's Health and Genetics/Laboratory Corporation of America, LabCorp); PubMed 20880116 (cited by Women's Health and Genetics/Laboratory Corporation of America, LabCorp); PubMed 23690417 (cited by Women's Health and Genetics/Laboratory Corporation of America, LabCorp); PubMed 22031865 (cited by Women's Health and Genetics/Laboratory Corporation of America, LabCorp); PubMed 25596267 (cited by Women's Health and Genetics/Laboratory Corporation of America, LabCorp); PubMed 22058207 (cited by Women's Health and Genetics/Laboratory Corporation of America, LabCorp); PubMed 24496303 (cited by Women's Health and Genetics/Laboratory Corporation of America, LabCorp); PubMed 21576631 (cited by Women's Health and Genetics/Laboratory Corporation of America, LabCorp); PubMed 24255920 (cited by Women's Health and Genetics/Laboratory Corporation of America, LabCorp); PubMed 27895058 (cited by Women's Health and Genetics/Laboratory Corporation of America, LabCorp); PubMed 27276561 (cited by Women's Health and Genetics/Laboratory Corporation of America, LabCorp).

NM_015338.6(ASXL1):c.1282C>T (p.Gln428Ter)

Gene: ASXL1 (ASXL transcriptional regulator 1; plus strand). Cytogenetic location: 20q11.21.
Variant type: single nucleotide variant.
Coding change: c.1282C>T on transcript NM_015338.6 (MANE Select); coding-DNA position 1282, C replaced by T.
Protein change: p.Gln428Ter; replaces glutamine 428 with a stop codon.
Molecular consequence: nonsense.
Genome position (GRCh38, 1-based): chr20:32,433,480, C>T. VCF-style: chr20-32433480-C-T. GRCh37 (hg19) VCF-style: chr20-31021283-C-T.
Other names: c.1099C>T, p.Gln367Ter (NM_001363734.1); short protein forms Q428*, Q367*.
Identifiers: ClinVar variation 280841 (VCV000280841.11), dbSNP rs886041975, ClinGen allele CA10603462.